The following is an entry in ClinVar:

ClinVar aggregate classification (germline): Uncertain significance (1 of 4 stars; one submission).

Allele frequency attached by ClinVar (database versions not stated): TOPMed below 0.00001; gnomAD exomes 0.00001 and 0.00002; gnomAD 0.00002; ExAC 0.00003.
gnomAD v4.1: 16 of 1,611,486 alleles (0.00099%); highest among the groups gnomAD compares: Middle Eastern, 0.016%; no homozygotes.

Submission:

Labcorp Genetics (formerly Invitae), Labcorp
Classification: Uncertain significance. Last evaluated: 2022-08-31. Review status: criteria provided, single submitter. Criteria: Invitae Variant Classification Sherloc (09022015). Collection method: clinical testing. Allele origin: germline.
Comment: This variant has not been reported in the literature in individuals affected with RCBTB1-related conditions. This variant is present in population databases (rs759533533, gnomAD 0.008%). This sequence change replaces isoleucine, which is neutral and non-polar, with valine, which is neutral and non-polar, at codon 441 of the RCBTB1 protein (p.Ile441Val). ClinVar contains an entry for this variant (Variation ID: 1381798). Algorithms developed to predict the effect of sequence changes on RNA splicing suggest that this variant may create or strengthen a splice site. Algorithms developed to predict the effect of missense changes on protein structure and function are either unavailable or do not agree on the potential impact of this missense change (SIFT: "Deleterious"; PolyPhen-2: "Benign"; Align-GVGD: "Class C0"). In summary, the available evidence is currently insufficient to determine the role of this variant in disease. Therefore, it has been classified as a Variant of Uncertain Significance.

NM_018191.4(RCBTB1):c.1321A>G (p.Ile441Val)

Gene: RCBTB1 (RCC1 and BTB domain containing protein 1; minus strand). Cytogenetic location: 13q14.2.
Variant type: single nucleotide variant.
Coding change: c.1321A>G on transcript NM_018191.4 (MANE Select); coding-DNA position 1321, A replaced by G.
Protein change: p.Ile441Val; replaces isoleucine 441 with valine.
Molecular consequence: missense variant. On other transcripts: non-coding transcript variant (2).
Genome position (GRCh38, 1-based): chr13:49,541,679, T>C on the plus strand (A>G on the coding strand, the complement: RCBTB1 is on the minus strand). VCF-style: chr13-49541679-T-C. GRCh37 (hg19) VCF-style: chr13-50115815-T-C.
Other names: c.1321A>G, p.Ile441Val (NM_001352500.2, NM_001352501.2, NM_001352502.2 and 2 more transcripts); c.742A>G, p.Ile248Val (NM_001352506.2); short protein forms I248V, I441V.
Identifiers: ClinVar variation 1381798 (VCV001381798.6), dbSNP rs759533533, ClinGen allele CA6982616.